The following is an entry in ClinVar:

NM_004006.3(DMD):c.9197C>T (p.Ser3066Leu)

Gene: DMD (dystrophin; minus strand). Cytogenetic location: Xp21.2.
Variant type: single nucleotide variant.
Coding change: c.9197C>T on transcript NM_004006.3 (MANE Select); coding-DNA position 9197, C replaced by T.
Protein change: p.Ser3066Leu; replaces serine 3066 with leucine.
Molecular consequence: missense variant.
Genome position (GRCh38, 1-based): chrX:31,323,625, G>A on the plus strand (C>T on the coding strand, the complement: DMD is on the minus strand). VCF-style: chrX-31323625-G-A. GRCh37 (hg19) VCF-style: chrX-31341742-G-A.
Other names: c.9173C>T, p.Ser3058Leu (NM_000109.4); c.9185C>T, p.Ser3062Leu (NM_004009.3); c.8828C>T, p.Ser2943Leu (NM_004010.3); c.5174C>T, p.Ser1725Leu (NM_004011.4); c.5165C>T, p.Ser1722Leu (NM_004012.4); c.1817C>T, p.Ser606Leu (NM_004013.3, NM_004020.4, NM_004021.3 and 2 more transcripts); c.1010C>T, p.Ser337Leu (NM_004014.3); short protein forms S1722L, S1725L, S2943L, S3058L, S3062L, S3066L, S337L, S606L.
Identifiers: ClinVar variation 3339352 (VCV003339352.1).
Genomic context (GRCh38, chrX:31,323,625, plus strand): 5'-TGCTCTTTTAAAAATGTGATACTTCCAACTTACTTGATATAGTAGGGCACTTTGTTTGGC[G>A]AGATGGCTCTCTCCCAGGGACCCTGGACAGACGCTGAAAAGAAGGGAGGAAAAAAAGAAA-3'
Protein context (NP_003997.2, residues 3056-3076): SVQGPWERAI[Ser3066Leu]PNKVPYYINH

ClinVar aggregate classification (germline): Uncertain significance (1 of 4 stars; one submission).

gnomAD v4.1: 2 of 1,210,484 alleles (0.00017%); highest among the groups gnomAD compares: Non-Finnish European, 0.00022%; no homozygotes.

Submission:

Women's Health and Genetics/Laboratory Corporation of America, LabCorp
Classification: Uncertain significance. Last evaluated: 2024-07-24. Review status: criteria provided, single submitter. Criteria: LabCorp Variant Classification Summary - May 2015. Collection method: clinical testing. Allele origin: germline.
Comment: Variant summary: DMD c.9197C>T (p.Ser3066Leu) results in a non-conservative amino acid change in the encoded protein sequence. Five of five in-silico tools predict a damaging effect of the variant on protein function. The variant allele was found at a frequency of 1.1e-05 in 181506 control chromosomes (gnomAD). The available data on variant occurrences in the general population are insufficient to allow any conclusion about variant significance. To our knowledge, no occurrence of c.9197C>T in individuals affected with Dystrophinopathies and no experimental evidence demonstrating its impact on protein function have been reported. No submitters have cited clinical-significance assessments for this variant to ClinVar. Based on the evidence outlined above, the variant was classified as uncertain significance.